The following is an entry in ClinVar:

NM_001232.4(CASQ2):c.939+132G>T

Gene: CASQ2 (calsequestrin 2; minus strand). Cytogenetic location: 1p13.1.
Variant type: single nucleotide variant.
Coding change: c.939+132G>T on transcript NM_001232.4 (MANE Select); 132 bases into the intron after coding-DNA position 939, G replaced by T.
Molecular consequence: intron variant.
Genome position (GRCh38, 1-based): chr1:115,705,060, C>A on the plus strand (G>T on the coding strand, the complement: CASQ2 is on the minus strand). VCF-style: chr1-115705060-C-A. GRCh37 (hg19) VCF-style: chr1-116247681-C-A.
Identifiers: ClinVar variation 675504 (VCV000675504.1), dbSNP rs115673492, ClinGen allele CA29614399.
Genomic context (GRCh38, chr1:115,705,060, plus strand): 5'-GCCGAATCCTTTCAGGGTCAGCACCAGGCCCCAAGTTCAATACTGCCCCAAGGGCCAAGA[C>A]CTCCCACACTGGGTGAGGACCGCCACTGGGTTTCTTCAAGTGCCCCTGCCTATTTCACCT-3'

ClinVar aggregate classification (germline): Benign (1 of 4 stars; one submission).

Allele frequency attached by ClinVar (database versions not stated): 1000 Genomes Project 0.01757; 1000 Genomes Project 30x 0.01921; gnomAD 0.01971 and 0.02117; TOPMed 0.02132.
gnomAD v4.1: 4,835 of 741,306 alleles (0.65%); highest among the groups gnomAD compares: African/African-American, 6.6%; 137 homozygotes.

Submission:

GeneDx
Classification: Benign. Last evaluated: 2018-06-16. Review status: criteria provided, single submitter. Criteria: GeneDx Variant Classification (06012015). Collection method: clinical testing. Allele origin: germline. Affected: yes.
Comment: This variant is considered likely benign or benign based on one or more of the following criteria: it is a conservative change, it occurs at a poorly conserved position in the protein, it is predicted to be benign by multiple in silico algorithms, and/or has population frequency not consistent with disease.